The following is an entry in ClinVar:

NM_001145434.2(ZNF880):c.264C>T (p.Asn88=)

Gene: ZNF880 (zinc finger protein 880; plus strand). Cytogenetic location: 19q13.41.
Variant type: single nucleotide variant.
Coding change: c.264C>T on transcript NM_001145434.2 (MANE Select); coding-DNA position 264, C replaced by T.
Protein change: p.Asn88=; no amino-acid change (asparagine 88 retained).
Molecular consequence: synonymous variant.
Genome position (GRCh38, 1-based): chr19:52,374,423, C>T. VCF-style: chr19-52374423-C-T. GRCh37 (hg19) VCF-style: chr19-52877676-C-T.
Identifiers: ClinVar variation 2650391 (VCV002650391.24), dbSNP rs375204197, ClinGen allele CA9622904.

ClinVar aggregate classification (germline): Likely benign (1 of 4 stars; one submission).

Allele frequency attached by ClinVar (database versions not stated): ExAC 0.00043; 1000 Genomes Project 30x 0.00078; 1000 Genomes Project 0.00080; ESP Exome Variant Server 0.00088; gnomAD 0.00117; TOPMed 0.00133.
gnomAD v4.1: 478 of 1,610,690 alleles (0.03%); highest among the groups gnomAD compares: African/African-American, 0.31%; 1 homozygote.

Submission:

CeGaT Center for Human Genetics Tuebingen
Classification: Likely benign. Last evaluated: 2022-10-01. Review status: criteria provided, single submitter. Criteria: CeGaT Center For Human Genetics Tuebingen Variant Classification Criteria Version 2. Collection method: clinical testing. Allele origin: germline. Affected: yes. Observed: 1 variant allele.
Comment: ZNF880: BP4, BP7